The following is an entry in ClinVar:

ClinVar aggregate classification (germline): Uncertain significance. Review status: criteria provided, multiple submitters, no conflicts (2 of 4 stars). 2 submissions from 2 submitters: Uncertain significance (2). Last evaluated 2024-01-19.

Allele frequency attached by ClinVar (database versions not stated): TOPMed below 0.00001; ExAC 0.00001; gnomAD 0.00001; gnomAD exomes 0.00001 and 0.00005.
gnomAD v4.1: 67 of 1,614,114 alleles (0.0042%); highest among the groups gnomAD compares: Non-Finnish European, 0.0056%; no homozygotes.

Submissions (2):

Labcorp Genetics (formerly Invitae), Labcorp
Classification: Uncertain significance. Last evaluated: 2024-01-19. Review status: criteria provided, single submitter. Criteria: Invitae Variant Classification Sherloc (09022015). Collection method: clinical testing. Allele origin: germline.
Comment: This sequence change replaces lysine, which is basic and polar, with glutamic acid, which is acidic and polar, at codon 49 of the LARS2 protein (p.Lys49Glu). This variant is present in population databases (rs777694670, gnomAD 0.002%). This variant has not been reported in the literature in individuals affected with LARS2-related conditions. ClinVar contains an entry for this variant (Variation ID: 1502271). An algorithm developed to predict the effect of missense changes on protein structure and function (PolyPhen-2) suggests that this variant¬†is likely to be tolerated. In summary, the available evidence is currently insufficient to determine the role of this variant in disease. Therefore, it has been classified as a Variant of Uncertain Significance.

GeneDx
Classification: Uncertain significance. Last evaluated: 2023-04-26. Review status: criteria provided, single submitter. Criteria: GeneDx Variant Classification Process June 2021. Collection method: clinical testing. Allele origin: germline. Affected: yes.
Comment: Not observed at significant frequency in large population cohorts (gnomAD); In silico analysis supports that this missense variant does not alter protein structure/function; Has not been previously published as pathogenic or benign to our knowledge

NM_015340.4(LARS2):c.145A>G (p.Lys49Glu)

Gene: LARS2 (leucyl-tRNA synthetase 2, mitochondrial; plus strand). Cytogenetic location: 3p21.31.
Variant type: single nucleotide variant.
Coding change: c.145A>G on transcript NM_015340.4 (MANE Select); coding-DNA position 145, A replaced by G.
Protein change: p.Lys49Glu; replaces lysine 49 with glutamic acid.
Molecular consequence: missense variant.
Genome position (GRCh38, 1-based): chr3:45,394,598, A>G. VCF-style: chr3-45394598-A-G. GRCh37 (hg19) VCF-style: chr3-45436090-A-G.
Other names: c.145A>G, p.Lys49Glu (NM_001368263.1); c.145A>G (NM_015340.3); short protein forms K49E.
Identifiers: ClinVar variation 1502271 (VCV001502271.7), dbSNP rs777694670, ClinGen allele CA2349201.
Genomic context (GRCh38, chr3:45,394,598, plus strand): 5'-GAAAGGAGAGTAATTCCCGGATGTACCAGAAGCATCTACAGTGCCACGGGAAAGTGGACA[A>G]AAGAGTATACATTGCAGACAAGAAAGGATGTTGAGAAATGGTGGCATCAACGAATAAAAG-3'
Protein context (NP_056155.1, residues 39-59): SIYSATGKWT[Lys49Glu]EYTLQTRKDV